The following is an entry in ClinVar:

NM_177438.3(DICER1):c.5517G>T (p.Arg1839=)

Gene: DICER1 (dicer 1, ribonuclease III; minus strand). Cytogenetic location: 14q32.13.
Variant type: single nucleotide variant.
Coding change: c.5517G>T on transcript NM_177438.3 (MANE Select); coding-DNA position 5517, G replaced by T.
Protein change: p.Arg1839=; no amino-acid change (arginine 1839 retained).
Molecular consequence: synonymous variant. On other transcripts: non-coding transcript variant (6), intron variant (1).
Genome position (GRCh38, 1-based): chr14:95,091,213, C>A on the plus strand (G>T on the coding strand, the complement: DICER1 is on the minus strand). VCF-style: chr14-95091213-C-A. GRCh37 (hg19) VCF-style: chr14-95557550-C-A.
Other names: c.5517G>T, p.Arg1839= (NM_030621.4, NM_001271282.3, NM_001291628.2 and 7 more transcripts); c.5365-104G>T (NM_001195573.1); c.5235G>T, p.Arg1745= (NM_001395686.1); c.5112G>T, p.Arg1704= (NM_001395687.1, NM_001395688.1, NM_001395689.1 and 1 more transcripts); c.4950G>T, p.Arg1650= (NM_001395691.1); c.3834G>T, p.Arg1278= (NM_001395697.1).
Identifiers: ClinVar variation 3722830 (VCV003722830.3).

ClinVar aggregate classification (germline): Conflicting classifications of pathogenicity. Review status: criteria provided, conflicting classifications (1 of 4 stars). 2 submissions from 2 submitters: Uncertain significance (1); Likely benign (1). Last evaluated 2026-08-10.

Conditions:
Hereditary cancer-predisposing syndrome. Also called: Tumor predisposition; Hereditary neoplastic syndrome; Hereditary Cancer Syndrome; Neoplastic Syndromes, Hereditary. Identifiers: Orphanet 140162, MedGen C0027672, MeSH D009386, MONDO:0015356.
DICER1-related tumor predisposition. Also called: DICER1-related pleuropulmonary blastoma cancer predisposition syndrome; DICER1 syndrome. Identifiers: Orphanet 284343, MedGen C3839822, MONDO:0100216.

Submissions (2):

Ambry Genetics
Classification: Uncertain significance for Hereditary cancer-predisposing syndrome. Last evaluated: 2026-08-10. Review status: criteria provided, single submitter. Criteria: Ambry Variant Classification Scheme 2023. Collection method: clinical testing. Allele origin: germline.
Comment: The c.5517G>T variant (also known as p.R1839R), located in coding exon 24 of the DICER1 gene, results from a G to T substitution at nucleotide position 5517. This nucleotide substitution does not change the arginine at codon 1839. This nucleotide position is well conserved in available vertebrate species. In silico splice site analysis for this alteration is inconclusive. Based on the available evidence, the clinical significance of this variant remains unclear.

Labcorp Genetics (formerly Invitae), Labcorp
Classification: Likely benign for DICER1-related tumor predisposition. Last evaluated: 2024-10-13. Review status: criteria provided, single submitter. Criteria: Invitae Variant Classification Sherloc (09022015). Collection method: clinical testing. Allele origin: germline.